The following is an entry in ClinVar:

NM_000329.3(RPE65):c.1583G>T (p.Gly528Val)

Gene: RPE65 (retinoid isomerohydrolase RPE65; minus strand). Cytogenetic location: 1p31.3.
Variant type: single nucleotide variant.
Coding change: c.1583G>T on transcript NM_000329.3 (MANE Select); coding-DNA position 1583, G replaced by T.
Protein change: p.Gly528Val; replaces glycine 528 with valine.
Molecular consequence: missense variant.
Genome position (GRCh38, 1-based): chr1:68,429,795, C>A on the plus strand (G>T on the coding strand, the complement: RPE65 is on the minus strand). VCF-style: chr1-68429795-C-A. GRCh37 (hg19) VCF-style: chr1-68895478-C-A.
Other names: NM_000329.3(RPE65):c.1583G>T; p.Gly528Val; short protein forms G528V.
Identifiers: ClinVar variation 801494 (VCV000801494.5), dbSNP rs1193631220, ClinGen allele CA340740566.

ClinVar aggregate classification (germline): Likely pathogenic. Review status: reviewed by expert panel (3 of 4 stars). 5 submissions from 5 submitters: Likely pathogenic (1). 4 of the submissions do not count toward it. Last evaluated 2025-06-11.

Conditions:
RPE65-related recessive retinopathy. Also called: Recessive RPE65 retinopathy. Identifiers: MedGen CN305526, MONDO:0100368.
Leber congenital amaurosis (LCA). Also called: Leber's amaurosis. Identifiers: Orphanet 65, MedGen C0339527, MeSH D057130, MONDO:0018998.
Leber congenital amaurosis 2 (LCA2). Also called: Autosomal Recessive RPE65-Related Retinal Degeneration; AMAUROSIS CONGENITA OF LEBER II. Identifiers: Orphanet 65, MedGen C1859844, MONDO:0008765, OMIM 204100. Disease mechanism: loss of function.

Allele frequency attached by ClinVar (database versions not stated): TOPMed below 0.00001.
gnomAD v4.1: 1 of 1,613,632 alleles (0.000062%); highest among the groups gnomAD compares: Non-Finnish European, 0.000085%; no homozygotes.

Submissions (5):

ClinGen Leber Congenital Amaurosis/early Onset Retinal Dystrophy Variant Curation Expert Panel, ClinGen
Classification: Likely pathogenic for RPE65-related recessive retinopathy. Last evaluated: 2025-06-11. Review status: reviewed by expert panel. Criteria: ClinGen LCAeoRD ACMG Specifications RPE65 V1.0.0. Collection method: curation. Allele origin: germline. Inheritance: Autosomal recessive inheritance.
Comment: NM_000329.3(RPE65):c.1583G>T (p.Gly528Val) is a missense variant that replaces glycine with valine at amino acid 528. This variant is present in gnomAD v.4.1.0 at a GrpMax allele frequency of 0.0000008477, with 1 allele / 1,179,706 total alleles in the European (non-Finnish) population, which is lower than the ClinGen LCA / eoRD VCEP PM2_Supporting threshold of <0.0002 (PM2_Supporting). This variant has been reported in at least 1 proband with early-onset severe retinal dystrophy who was compound heterozygous with the c.669delCA (now known as NM_000329.3(RPE65):c.615_616del (p.Ile206fs)) variant suspected in trans (0.5 points, PMID: 11095629), which was previously classified pathogenic by the ClinGen LCA / eoRD VCEP. This variant has also been reported in at least 1 proband with early-onset severe retinal dystrophy who was compound heterozygous with the NM_000329.3(RPE65):c.11+5G>A variant suspected in trans (0.5 points, PMID: 32865313), which was previously classified pathogenic by the ClinGen LCA / eoRD VCEP (1 total point, PM3). At least one proband harboring this variant exhibits a phenotype including diagnosis of Leber congenital amaurosis (0.5 pts), night blindness (0.5 pts), nystagmus, (1 pt), poor central visual acuity (1 pt), visual field constriction (1 pt), and nonrecordable electroretinogram responses (0.5 pts for rods and 1 for cones), which together are specific for RPE65-related recessive retinopathytotal 5.5 points, PMID: 11095629, PP4). The computational predictor REVEL gives a score of 0.982, which is above the ClinGen LCA / eoRD VCEP threshold of ≥0.773 and predicts a damaging effect on RPE65 function (PP3_Moderate). The variant exhibited <2 % enzymatic activity in a retinoid isomerase assay relative to the wild-type control, which is lower than the ClinGen LCA / eoRD VCEP PS3_Supporting threshold of <10% activity, indicating that it triggers a severe defect in protein function (PS3_Supporting, PMID: 16150724). In summary, this variant meets the criteria to be classified as likely pathogenic for RPE65-related recessive retinopathy based on the ACMG/AMP criteria applied, as specified by the ClinGen LCA/eoRD VCEP: PM2_Supporting, PM3, PP4, PP3_Moderate, and PS3_Supporting. (VCEP specifications version 1.0.0; date of approval 09/21/2023).

Natera, Inc.
Classification: Likely pathogenic for Leber congenital amaurosis. Last evaluated: 2025-09-29. Review status: criteria provided, single submitter. Criteria: Natera Variant Classification Schema (03/2026). Collection method: clinical testing. Allele origin: germline. Not counted in ClinVar's aggregate classification.
Comment: The c.1583G>T variant in RPE65 is a missense variant predicted to cause substitution of glycine to valine at amino acid 528. This variant is rare in the general population with a frequency below the threshold expected for the associated phenotype(s). This variant has been observed in one or more individuals affected with the associated recessive disease, as either homozygous or compound heterozygous with a second variant (PMID: 11095629). Functional studies show that this variant may disrupt protein function (PMID: 16150724). Computational prediction algorithms indicate this variant is likely to affect gene or protein function. Given the available evidence, this variant is classified as Likely Pathogenic.

Baylor Genetics
Classification: Likely pathogenic for Leber congenital amaurosis 2. Last evaluated: 2023-10-10. Review status: criteria provided, single submitter. Criteria: ACMG Guidelines, 2015. Collection method: clinical testing. Allele origin: unknown. Not counted in ClinVar's aggregate classification.

Mendelics
Classification: Pathogenic for Leber congenital amaurosis 2. Last evaluated: 2019-05-28. Review status: criteria provided, single submitter. Criteria: Mendelics Assertion Criteria 2017. Collection method: clinical testing. Allele origin: unknown. Not counted in ClinVar's aggregate classification.

Laboratory of Genetics in Ophthalmology, Institut Imagine
Classification: Pathogenic for Leber congenital amaurosis 2. Review status: no assertion criteria provided. Collection method: research. Allele origin: inherited. Affected: yes. Observed: 1 variant allele. Not counted in ClinVar's aggregate classification.

Literature cited by the submitters: PubMed 11095629 (cited by Natera, Inc. and Laboratory of Genetics in Ophthalmology, Institut Imagine); PubMed 16150724 (cited by Natera, Inc.).